The following is an entry in ClinVar:

NM_016579.4(CD320):c.305C>T (p.Pro102Leu)

Gene: CD320 (CD320 molecule; minus strand). Cytogenetic location: 19p13.2.
Variant type: single nucleotide variant.
Coding change: c.305C>T on transcript NM_016579.4 (MANE Select); coding-DNA position 305, C replaced by T.
Protein change: p.Pro102Leu; replaces proline 102 with leucine.
Molecular consequence: missense variant.
Genome position (GRCh38, 1-based): chr19:8,304,052, G>A on the plus strand (C>T on the coding strand, the complement: CD320 is on the minus strand). VCF-style: chr19-8304052-G-A. GRCh37 (hg19) VCF-style: chr19-8368936-G-A.
Other names: c.179C>T, p.Pro60Leu (NM_001165895.2); short protein forms P102L, P60L.
Identifiers: ClinVar variation 1024024 (VCV001024024.8), dbSNP rs767897892, ClinGen allele CA9154770.

ClinVar aggregate classification (germline): Uncertain significance (1 of 4 stars; one submission).

Conditions:
Methylmalonic acidemia due to transcobalamin receptor defect (MATR). Also called: METHYLMALONIC ACIDURIA, TRANSIENT, DUE TO TRANSCOBALAMIN RECEPTOR DEFECT; METHYLMALONIC ACIDEMIA, TCblR TYPE. Identifiers: Orphanet 280183, MedGen C4749905, MONDO:0013341, OMIM 613646.

Allele frequency attached by ClinVar (database versions not stated): ExAC 0.00005.
gnomAD v4.1: 8 of 1,551,006 alleles (0.00052%); highest among the groups gnomAD compares: South Asian, 0.0047%; no homozygotes.

Submission:

Labcorp Genetics (formerly Invitae), Labcorp
Classification: Uncertain significance for Methylmalonic acidemia due to transcobalamin receptor defect. Last evaluated: 2024-12-09. Review status: criteria provided, single submitter. Criteria: Invitae Variant Classification Sherloc (09022015). Collection method: clinical testing. Allele origin: germline.
Comment: This sequence change replaces proline, which is neutral and non-polar, with leucine, which is neutral and non-polar, at codon 102 of the CD320 protein (p.Pro102Leu). The frequency data for this variant in the population databases is considered unreliable, as metrics indicate poor data quality at this position in the gnomAD database. This variant has not been reported in the literature in individuals affected with CD320-related conditions. ClinVar contains an entry for this variant (Variation ID: 1024024). An algorithm developed to predict the effect of missense changes on protein structure and function (PolyPhen-2) suggests that this variant is likely to be tolerated. In summary, the available evidence is currently insufficient to determine the role of this variant in disease. Therefore, it has been classified as a Variant of Uncertain Significance.